The following is an entry in ClinVar:

NM_020338.4(ZMIZ1):c.1705C>T (p.Arg569Trp)

Gene: ZMIZ1 (zinc finger MIZ-type containing 1; plus strand). Cytogenetic location: 10q22.3.
Variant type: single nucleotide variant.
Coding change: c.1705C>T on transcript NM_020338.4 (MANE Select); coding-DNA position 1705, C replaced by T.
Protein change: p.Arg569Trp; replaces arginine 569 with tryptophan.
Molecular consequence: missense variant.
Genome position (GRCh38, 1-based): chr10:79,299,088, C>T. VCF-style: chr10-79299088-C-T. GRCh37 (hg19) VCF-style: chr10-81058845-C-T.
Other names: c.1705C>T (NM_020338.3); short protein forms R569W.
Identifiers: ClinVar variation 3393302 (VCV003393302.2).

ClinVar aggregate classification (germline): Uncertain significance. Review status: criteria provided, multiple submitters, no conflicts (2 of 4 stars). 2 submissions from 2 submitters: Uncertain significance (2). Last evaluated 2024-12-19.

Conditions:
Neurodevelopmental disorder with dysmorphic facies and distal skeletal anomalies. Identifiers: MedGen C5231448, MONDO:0032855, OMIM 618659.

gnomAD v4.1: 3 of 1,612,412 alleles (0.00019%); highest among the groups gnomAD compares: Non-Finnish European, 0.00025%; no homozygotes.

Submissions (2):

Genomic Medicine Center of Excellence, King Faisal Specialist Hospital and Research Centre
Classification: Uncertain significance for Neurodevelopmental disorder with dysmorphic facies and distal skeletal anomalies. Last evaluated: 2024-12-19. Review status: criteria provided, single submitter. Criteria: ACMG Guidelines, 2015. Collection method: clinical testing. Allele origin: germline.

GeneDx
Classification: Uncertain significance. Last evaluated: 2024-10-31. Review status: criteria provided, single submitter. Criteria: GeneDx Variant Classification Process June 2021. Collection method: clinical testing. Allele origin: germline. Affected: yes.
Comment: Has not been previously published as pathogenic or benign to our knowledge; Not observed at significant frequency in large population cohorts (gnomAD); In silico analysis supports that this missense variant has a deleterious effect on protein structure/function.